The following is an entry in ClinVar:

NM_001081.4(CUBN):c.735C>T (p.Cys245=)

Gene: CUBN (cubilin; minus strand). Cytogenetic location: 10p13.
Variant type: single nucleotide variant.
Coding change: c.735C>T on transcript NM_001081.4 (MANE Select); coding-DNA position 735, C replaced by T.
Protein change: p.Cys245=; no amino-acid change (cysteine 245 retained).
Molecular consequence: synonymous variant.
Genome position (GRCh38, 1-based): chr10:17,114,175, G>A on the plus strand (C>T on the coding strand, the complement: CUBN is on the minus strand). VCF-style: chr10-17114175-G-A. GRCh37 (hg19) VCF-style: chr10-17156174-G-A.
Identifiers: ClinVar variation 299540 (VCV000299540.23), dbSNP rs766772944, ClinGen allele CA5425513.

ClinVar aggregate classification (germline): Conflicting classifications of pathogenicity. Review status: criteria provided, conflicting classifications (1 of 4 stars). 3 submissions from 3 submitters: Uncertain significance (1); Likely benign (2). Last evaluated 2024-12-09.

Conditions:
Imerslund-Grasbeck syndrome type 1 (IGS1). Also called: MEGALOBLASTIC ANEMIA, 1; Imerslund-Gräsbeck syndrome 1; Megaloblastic anemia 1, Finnish type. Identifiers: MedGen C4016819, MONDO:0100156, OMIM 261100.
Imerslund-Grasbeck syndrome. Also called: Megaloblastic anemia due to inborn errors of metabolism; Imerslund-Gräsbeck syndrome; ENTEROCYTE COBALAMIN MALABSORPTION; ENTEROCYTE INTRINSIC FACTOR RECEPTOR, DEFECT OF; PERNICIOUS ANEMIA, JUVENILE, DUE TO SELECTIVE INTESTINAL MALABSORPTION OF VITAMIN B12, WITH PROTEINURIA. Identifiers: Orphanet 35858, MedGen C4551825, MONDO:0009853.

Allele frequency attached by ClinVar (database versions not stated): ExAC 0.00006; gnomAD 0.00006 and 0.00007; gnomAD exomes 0.00006 and 0.00015; TOPMed 0.00007.
gnomAD v4.1: 242 of 1,613,670 alleles (0.015%); highest among the groups gnomAD compares: Non-Finnish European, 0.018%; no homozygotes.

Submissions (3):

Labcorp Genetics (formerly Invitae), Labcorp
Classification: Likely benign for Imerslund-Grasbeck syndrome. Last evaluated: 2024-12-09. Review status: criteria provided, single submitter. Criteria: Invitae Variant Classification Sherloc (09022015). Collection method: clinical testing. Allele origin: germline.

CeGaT Center for Human Genetics Tuebingen
Classification: Likely benign. Last evaluated: 2024-11-01. Review status: criteria provided, single submitter. Criteria: CeGaT Center For Human Genetics Tuebingen Variant Classification Criteria Version 2. Collection method: clinical testing. Allele origin: germline. Affected: yes. Observed: 1 variant allele.
Comment: CUBN: BP4, BP7

Illumina Laboratory Services, Illumina
Classification: Uncertain significance for Imerslund-Grasbeck syndrome type 1. Last evaluated: 2018-01-13. Review status: criteria provided, single submitter. Criteria: ICSL Variant Classification Criteria 13 December 2019. Collection method: clinical testing. Allele origin: germline.